The following is an entry in ClinVar:

NM_000222.3(KIT):c.1854G>A (p.Met618Ile)

Gene: KIT (KIT proto-oncogene, receptor tyrosine kinase; plus strand). Cytogenetic location: 4q12.
Variant type: single nucleotide variant.
Coding change: c.1854G>A on transcript NM_000222.3 (MANE Select); coding-DNA position 1854, G replaced by A.
Protein change: p.Met618Ile; replaces methionine 618 with isoleucine.
Molecular consequence: missense variant.
Genome position (GRCh38, 1-based): chr4:54,727,902, G>A. VCF-style: chr4-54727902-G-A. GRCh37 (hg19) VCF-style: chr4-55594068-G-A.
Other names: c.1842G>A, p.Met614Ile (NM_001093772.2, NM_001385286.1); c.1857G>A, p.Met619Ile (NM_001385284.1, NM_001385290.1); c.1854G>A, p.Met618Ile (NM_001385285.1); c.1845G>A, p.Met615Ile (NM_001385288.1, NM_001385292.1); short protein forms M618I, M614I, M615I, M619I.
Identifiers: ClinVar variation 458895 (VCV000458895.15), dbSNP rs199787524, ClinGen allele CA2923586.
Genomic context (GRCh38, chr4:54,727,902, plus strand): 5'-AGCTTTCGGGAAGGTTGTTGAGGCAACTGCTTATGGCTTAATTAAGTCAGATGCGGCCAT[G>A]ACTGTCGCTGTAAAGATGCTCAAGCGTAAGTTCCTGTATGGTACTGCATGCGCTTGACAT-3'
Protein context (NP_000213.1, residues 608-628): AYGLIKSDAA[Met618Ile]TVAVKMLKPS

ClinVar aggregate classification (germline): Uncertain significance. Review status: criteria provided, multiple submitters, no conflicts (2 of 4 stars). 2 submissions from 2 submitters: Uncertain significance (2). Last evaluated 2026-01-13.

Conditions:
Hereditary cancer-predisposing syndrome. Also called: Tumor predisposition; Hereditary neoplastic syndrome; Neoplastic Syndromes, Hereditary; Hereditary Cancer Syndrome. Identifiers: Orphanet 140162, MedGen C0027672, MeSH D009386, MONDO:0015356.
Gastrointestinal stromal tumor. Also called: Gastrointestinal stroma tumor; Gastrointestinal stromal tumor, somatic. Identifiers: Orphanet 44890, MedGen C0238198, MeSH D046152, MONDO:0011719, OMIM 606764, HP:0100723.

Allele frequency attached by ClinVar (database versions not stated): TOPMed below 0.00001; gnomAD 0.00001; gnomAD exomes 0.00001 and 0.00002; ExAC 0.00002; 1000 Genomes Project 30x 0.00016; 1000 Genomes Project 0.00020.
gnomAD v4.1: 24 of 1,614,074 alleles (0.0015%); highest among the groups gnomAD compares: East Asian, 0.053%; no homozygotes.

Submissions (2):

Labcorp Genetics (formerly Invitae), Labcorp
Classification: Uncertain significance for Gastrointestinal stromal tumor. Last evaluated: 2026-01-13. Review status: criteria provided, single submitter. Criteria: Invitae Variant Classification Sherloc (09022015). Collection method: clinical testing. Allele origin: germline.
Comment: This sequence change replaces methionine, which is neutral and non-polar, with isoleucine, which is neutral and non-polar, at codon 618 of the KIT protein (p.Met618Ile). This variant is present in population databases (rs199787524, gnomAD 0.02%). This variant has not been reported in the literature in individuals affected with KIT-related conditions. ClinVar contains an entry for this variant (Variation ID: 458895). An algorithm developed to predict the effect of missense changes on protein structure and function (PolyPhen-2) suggests that this variant is likely to be tolerated. In summary, the available evidence is currently insufficient to determine the role of this variant in disease. Therefore, it has been classified as a Variant of Uncertain Significance.

Ambry Genetics
Classification: Uncertain significance for Hereditary cancer-predisposing syndrome. Last evaluated: 2025-01-07. Review status: criteria provided, single submitter. Criteria: Ambry Variant Classification Scheme 2023. Collection method: clinical testing. Allele origin: germline.
Comment: The p.M618I variant (also known as c.1854G>A), located in coding exon 12 of the KIT gene, results from a G to A substitution at nucleotide position 1854. The methionine at codon 618 is replaced by isoleucine, an amino acid with highly similar properties. This amino acid position is well conserved in available vertebrate species. In addition, the in silico prediction for this alteration is inconclusive. Based on the available evidence, the clinical significance of this variant remains unclear.